The following is an entry in ClinVar:

NM_002857.4(PEX19):c.896T>C (p.Met299Thr)

Gene: PEX19 (peroxisomal biogenesis factor 19; minus strand). Cytogenetic location: 1q23.2.
Variant type: single nucleotide variant.
Coding change: c.896T>C on transcript NM_002857.4 (MANE Select); coding-DNA position 896, T replaced by C.
Protein change: p.Met299Thr; replaces methionine 299 with threonine.
Molecular consequence: missense variant. On other transcripts: 3 prime UTR variant (1), non-coding transcript variant (2).
Genome position (GRCh38, 1-based): chr1:160,279,555, A>G on the plus strand (T>C on the coding strand, the complement: PEX19 is on the minus strand). VCF-style: chr1-160279555-A-G. GRCh37 (hg19) VCF-style: chr1-160249345-A-G.
Other names: c.*4T>C (NM_001193644.1); short protein forms M299T.
Identifiers: ClinVar variation 1436470 (VCV001436470.6), dbSNP rs2101798984, ClinGen allele CA343254954.

ClinVar aggregate classification (germline): Uncertain significance (1 of 4 stars; one submission).

Conditions:
Peroxisome biogenesis disorder 12A (Zellweger). Also called: Peroxisome biogenesis disorder 12A. Identifiers: Orphanet 912, MedGen C3554002, MONDO:0013951, OMIM 614886.

Allele frequency attached by ClinVar (database versions not stated): gnomAD exomes below 0.00001.
gnomAD v4.1: 5 of 1,613,220 alleles (0.00031%); highest among the groups gnomAD compares: Non-Finnish European, 0.00034%; no homozygotes.

Submission:

Labcorp Genetics (formerly Invitae), Labcorp
Classification: Uncertain significance for Peroxisome biogenesis disorder 12A (Zellweger). Last evaluated: 2021-04-16. Review status: criteria provided, single submitter. Criteria: Invitae Variant Classification Sherloc (09022015). Collection method: clinical testing. Allele origin: germline.
Comment: In summary, the available evidence is currently insufficient to determine the role of this variant in disease. Therefore, it has been classified as a Variant of Uncertain Significance. Algorithms developed to predict the effect of missense changes on protein structure and function are either unavailable or do not agree on the potential impact of this missense change (SIFT: "Deleterious"; PolyPhen-2: "Possibly Damaging"; Align-GVGD: "Class C0"). This variant has not been reported in the literature in individuals with PEX19-related conditions. This variant is not present in population databases (ExAC no frequency). This sequence change replaces methionine with threonine at codon 299 of the PEX19 protein (p.Met299Thr). The methionine residue is highly conserved and there is a moderate physicochemical difference between methionine and threonine.